The following is an entry in ClinVar:

ClinVar aggregate classification (germline): Likely benign (1 of 4 stars; one submission).

Submission:

GeneDx
Classification: Likely benign. Last evaluated: 2023-07-06. Review status: criteria provided, single submitter. Criteria: GeneDx Variant Classification Process June 2021. Collection method: clinical testing. Allele origin: germline. Affected: yes.
Comment: See Variant Classification Assertion Criteria.

NM_016360.4(TACO1):c.281-10del

Gene: TACO1 (translational activator of cytochrome c oxidase I; plus strand). Cytogenetic location: 17q23.3.
Variant type: Deletion.
Coding change: c.281-10del on transcript NM_016360.4 (MANE Select); 10 bases into the intron before coding-DNA position 281, one base deleted (T; older notation c.281-10delT).
Molecular consequence: intron variant.
Genome position (GRCh38, 1-based): chr17:63,604,524, T deleted; the last of 3 consecutive T bases (chr17:63,604,522-63,604,524); deleting any one gives the same sequence. VCF-style (leftmost placement, unchanged base first): chr17-63604521-CT-C. GRCh37 (hg19) VCF-style: chr17-61681881-CT-C.
Identifiers: ClinVar variation 1294255 (VCV001294255.3), dbSNP rs750844736, ClinGen allele CA8702089.